The following is an entry in ClinVar:

NM_002382.5(MAX):c.467G>T (p.Arg156Leu)

Gene: MAX (MYC associated transcriptional regulator X; minus strand). Cytogenetic location: 14q23.3.
Variant type: single nucleotide variant.
Coding change: c.467G>T on transcript NM_002382.5 (MANE Select); coding-DNA position 467, G replaced by T.
Protein change: p.Arg156Leu; replaces arginine 156 with leucine.
Molecular consequence: missense variant. On other transcripts: 3 prime UTR variant (12), non-coding transcript variant (7), intron variant (2).
Genome position (GRCh38, 1-based): chr14:65,076,492, C>A on the plus strand (G>T on the coding strand, the complement: MAX is on the minus strand). VCF-style: chr14-65076492-C-A. GRCh37 (hg19) VCF-style: chr14-65543210-C-A.
Other names: c.278G>T, p.Arg93Leu (NM_001320415.2, NM_001407105.1, NM_001407106.1 and 1 more transcripts); c.467G>T, p.Arg156Leu (NM_001407094.1); c.440G>T, p.Arg147Leu (NM_001407095.1, NM_145112.3); c.*240G>T (NM_001407096.1, NM_001407099.1, NM_001407102.1 and 2 more transcripts); c.*256G>T (NM_001407097.1, NM_001407100.1, NM_001407101.1 and 4 more transcripts); c.359G>T, p.Arg120Leu (NM_001407098.1); c.266G>T, p.Arg89Leu (NM_001407111.1, NM_001407112.1); c.144+17216G>T (NM_001271069.2); and 1 more; short protein forms R93L, R89L, R120L, R147L, R156L.
Identifiers: ClinVar variation 5023917 (VCV005023917.1).

ClinVar aggregate classification (germline): Uncertain significance (1 of 4 stars; one submission).

Conditions:
Hereditary cancer-predisposing syndrome. Also called: Neoplastic Syndromes, Hereditary; Tumor predisposition; Hereditary neoplastic syndrome; Hereditary Cancer Syndrome. Identifiers: Orphanet 140162, MedGen C0027672, MeSH D009386, MONDO:0015356.

Submission:

Ambry Genetics
Classification: Uncertain significance for Hereditary cancer-predisposing syndrome. Last evaluated: 2026-07-06. Review status: criteria provided, single submitter. Criteria: Ambry Variant Classification Scheme 2023. Collection method: clinical testing. Allele origin: germline.
Comment: The p.R156L variant (also known as c.467G>T), located in coding exon 5 of the MAX gene, results from a G to T substitution at nucleotide position 467. The arginine at codon 156 is replaced by leucine, an amino acid with dissimilar properties. This amino acid position is conserved. In addition, this alteration is predicted to be deleterious by in silico analysis. Based on the available evidence, the clinical significance of this variant remains unclear.